The following is an entry in ClinVar:

NM_001903.5(CTNNA1):c.2138T>C (p.Ile713Thr)

Gene: CTNNA1 (catenin alpha 1; plus strand). Cytogenetic location: 5q31.2.
Variant type: single nucleotide variant.
Coding change: c.2138T>C on transcript NM_001903.5 (MANE Select); coding-DNA position 2138, T replaced by C.
Protein change: p.Ile713Thr; replaces isoleucine 713 with threonine.
Molecular consequence: missense variant.
Genome position (GRCh38, 1-based): chr5:138,930,600, T>C. VCF-style: chr5-138930600-T-C. GRCh37 (hg19) VCF-style: chr5-138266289-T-C.
Other names: c.2138T>C, p.Ile713Thr (NM_001290307.3, NM_001323982.2, NM_001323983.1 and 2 more transcripts); c.1829T>C, p.Ile610Thr (NM_001290309.3); c.1028T>C, p.Ile343Thr (NM_001323989.1, NM_001323990.1, NM_001323991.1 and 17 more transcripts); c.1769T>C, p.Ile590Thr (NM_001290310.3); c.2045T>C, p.Ile682Thr (NM_001323986.2); c.689T>C, p.Ile230Thr (NM_001324006.1, NM_001324007.1, NM_001324008.1 and 2 more transcripts); c.935T>C, p.Ile312Thr (NM_001324011.1); c.785T>C, p.Ile262Thr (NM_001324012.1, NM_001324013.1); short protein forms I312T, I343T, I590T, I610T, I713T, I230T, I262T, I682T.
Identifiers: ClinVar variation 2698900 (VCV002698900.3), dbSNP rs2533850403, ClinGen allele CA361133596.

ClinVar aggregate classification (germline): Uncertain significance (1 of 4 stars; one submission).

Submission:

Labcorp Genetics (formerly Invitae), Labcorp
Classification: Uncertain significance. Last evaluated: 2023-11-25. Review status: criteria provided, single submitter. Criteria: Invitae Variant Classification Sherloc (09022015). Collection method: clinical testing. Allele origin: germline.
Comment: This sequence change replaces isoleucine, which is neutral and non-polar, with threonine, which is neutral and polar, at codon 713 of the CTNNA1 protein (p.Ile713Thr). This variant is not present in population databases (gnomAD no frequency). This variant has not been reported in the literature in individuals affected with CTNNA1-related conditions. Advanced modeling of protein sequence and biophysical properties (such as structural, functional, and spatial information, amino acid conservation, physicochemical variation, residue mobility, and thermodynamic stability) performed at Invitae indicates that this missense variant is expected to disrupt CTNNA1 protein function with a positive predictive value of 80%. In summary, the available evidence is currently insufficient to determine the role of this variant in disease. Therefore, it has been classified as a Variant of Uncertain Significance.